The following is an entry in ClinVar:

ClinVar aggregate classification (germline): Uncertain significance. Review status: criteria provided, single submitter (1 of 4 stars). 2 submissions from 2 submitters: Uncertain significance (1). 1 of the submissions does not count toward it. Last evaluated 2025-07-05.

Conditions:
TRAP1-related disorder. Also called: TRAP1-related condition.

gnomAD v4.1: 71 of 1,610,518 alleles (0.0044%); highest among the groups gnomAD compares: Non-Finnish European, 0.0017%; no homozygotes.

Submissions (2):

Labcorp Genetics (formerly Invitae), Labcorp
Classification: Uncertain significance. Last evaluated: 2025-07-05. Review status: criteria provided, single submitter. Criteria: Invitae Variant Classification Sherloc (09022015). Collection method: clinical testing. Allele origin: germline.
Comment: This sequence change replaces alanine, which is neutral and non-polar, with glutamic acid, which is acidic and polar, at codon 465 of the TRAP1 protein (p.Ala465Glu). This variant is present in population databases (rs200472693, gnomAD 0.2%), and has an allele count higher than expected for a pathogenic variant. This variant has not been reported in the literature in individuals affected with TRAP1-related conditions. ClinVar contains an entry for this variant (Variation ID: 3036941). Invitae Evidence Modeling of protein sequence and biophysical properties (such as structural, functional, and spatial information, amino acid conservation, physicochemical variation, residue mobility, and thermodynamic stability) indicates that this missense variant is not expected to disrupt TRAP1 protein function with a negative predictive value of 80%. In summary, the available evidence is currently insufficient to determine the role of this variant in disease. Therefore, it has been classified as a Variant of Uncertain Significance.

PreventionGenetics, part of Exact Sciences
Classification: Likely benign for TRAP1-related condition. Last evaluated: 2023-10-24. Review status: no assertion criteria provided. Collection method: clinical testing. Allele origin: germline. Not counted in ClinVar's aggregate classification.
Comment: This variant is classified as likely benign based on ACMG/AMP sequence variant interpretation guidelines (Richards et al. 2015 PMID: 25741868, with internal and published modifications).

NM_016292.3(TRAP1):c.1394C>A (p.Ala465Glu)

Genes: DNASE1 (deoxyribonuclease 1; plus strand), TRAP1 (TNF receptor associated protein 1; minus strand). Cytogenetic location: 16p13.3.
Variant type: single nucleotide variant.
Coding change: c.1394C>A on transcript NM_016292.3 (MANE Select); coding-DNA position 1394, C replaced by A.
Protein change: p.Ala465Glu; replaces alanine 465 with glutamic acid.
Molecular consequence: missense variant. On other transcripts: 3 prime UTR variant (1).
Genome position (GRCh38, 1-based): chr16:3,664,449, G>T on the plus strand (C>A on the coding strand, the complement: TRAP1 is on the minus strand). VCF-style: chr16-3664449-G-T. GRCh37 (hg19) VCF-style: chr16-3714450-G-T.
Other names: c.*1825G>T (NM_001387140.1); c.1235C>A, p.Ala412Glu (NM_001272049.2); short protein forms A412E, A465E.
Identifiers: ClinVar variation 3036941 (VCV003036941.2), dbSNP rs200472693, ClinGen allele CA7868098.